The following is an entry in ClinVar:

ClinVar aggregate classification (germline): Benign/Likely benign. Review status: criteria provided, multiple submitters, no conflicts (2 of 4 stars). 4 submissions from 4 submitters: Benign (2); Likely benign (1). 1 of the submissions does not count toward it. Last evaluated 2024-09-02.

Conditions:
LRPAP1-related disorder. Also called: LRPAP1-related condition.

Allele frequency attached by ClinVar (database versions not stated): gnomAD exomes 0.00023 and 0.00060; ExAC 0.00165; TOPMed 0.00244; ESP Exome Variant Server 0.00279; 1000 Genomes Project 30x 0.00297; 1000 Genomes Project 0.00319.
gnomAD v4.1: 741 of 1,590,020 alleles (0.047%); highest among the groups gnomAD compares: African/African-American, 0.87%; 1 homozygote.

Submissions (4):

Blueprint Genetics
Classification: Likely benign. Last evaluated: 2024-09-02. Review status: criteria provided, single submitter. Criteria: ACMG Guidelines, 2015. Collection method: clinical testing. Allele origin: germline.

Labcorp Genetics (formerly Invitae), Labcorp
Classification: Benign. Last evaluated: 2018-07-31. Review status: criteria provided, single submitter. Criteria: Invitae Variant Classification Sherloc (09022015). Collection method: clinical testing. Allele origin: germline.

Breakthrough Genomics
Classification: Benign. Review status: criteria provided, single submitter. Criteria: ACMG Guidelines, 2015. Collection method: not provided. Allele origin: germline. Inheritance: Autosomal recessive inheritance. Affected: yes.

PreventionGenetics, part of Exact Sciences
Classification: Likely benign for LRPAP1-related condition. Last evaluated: 2024-02-12. Review status: no assertion criteria provided. Collection method: clinical testing. Allele origin: germline. Not counted in ClinVar's aggregate classification.
Comment: This variant is classified as likely benign based on ACMG/AMP sequence variant interpretation guidelines (Richards et al. 2015 PMID: 25741868, with internal and published modifications).

NM_002337.4(LRPAP1):c.81C>T (p.Pro27=)

Genes: LRPAP1 (LDL receptor related protein associated protein 1; minus strand), LOC129992120 (ATAC-STARR-seq lymphoblastoid active region 21225; plus strand). Cytogenetic location: 4p16.3.
Variant type: single nucleotide variant.
Coding change: c.81C>T on transcript NM_002337.4 (MANE Select); coding-DNA position 81, C replaced by T.
Protein change: p.Pro27=; no amino-acid change (proline 27 retained).
Molecular consequence: synonymous variant.
Genome position (GRCh38, 1-based): chr4:3,532,332, G>A on the plus strand (C>T on the coding strand, the complement: LRPAP1 is on the minus strand). VCF-style: chr4-3532332-G-A. GRCh37 (hg19) VCF-style: chr4-3534059-G-A.
Identifiers: ClinVar variation 723993 (VCV000723993.7), dbSNP rs139828333, ClinGen allele CA2830170.
Genomic context (GRCh38, chr4:3,532,332, plus strand): 5'-TTTCGGGGACGGCTTGGGCTGGTTCTTCTCCCGCGAGTACTTGCCGCCGTGGCTCGCAGC[G>A]GGCCAGGGCCCGAGGAAGAGCAGCAGCAGTAGCAGCGCCGGGAGCCCGCGCAGAAACGAC-3'
Protein context (NP_002328.1, residues 17-37): LLLLLFLGPW[Pro27=]AASHGGKYSR